The following is an entry in ClinVar:

ClinVar aggregate classification (germline): Uncertain significance (1 of 4 stars; one submission).

Conditions:
Polyglandular autoimmune syndrome, type 1 (APS1). Also called: Whitaker syndrome; AUTOIMMUNE POLYENDOCRINE SYNDROME, TYPE I, WITH OR WITHOUT REVERSIBLE METAPHYSEAL DYSPLASIA; APS I; Autoimmune polyendocrinopathy syndrome, type I; Autoimmune polyendocrinopathy syndrome , type I, with or without reversible metaphyseal dysplasia; Autoimmune polyendocrine syndrome type 1. Identifiers: Orphanet 3453, MedGen C0085859, MONDO:0009411, OMIM 240300.

Submission:

Labcorp Genetics (formerly Invitae), Labcorp
Classification: Uncertain significance for Polyglandular autoimmune syndrome, type 1. Last evaluated: 2021-10-03. Review status: criteria provided, single submitter. Criteria: Invitae Variant Classification Sherloc (09022015). Collection method: clinical testing. Allele origin: germline.
Comment: This sequence change replaces isoleucine with leucine at codon 96 of the AIRE protein (p.Ile96Leu). The isoleucine residue is highly conserved and there is a small physicochemical difference between isoleucine and leucine. In summary, the available evidence is currently insufficient to determine the role of this variant in disease. Therefore, it has been classified as a Variant of Uncertain Significance. Algorithms developed to predict the effect of missense changes on protein structure and function are either unavailable or do not agree on the potential impact of this missense change (SIFT: "Deleterious"; PolyPhen-2: "Benign"; Align-GVGD: "Class C0"). This variant has not been reported in the literature in individuals affected with AIRE-related conditions. This variant is not present in population databases (ExAC no frequency).

NM_000383.4(AIRE):c.286A>C (p.Ile96Leu)

Gene: AIRE (autoimmune regulator; plus strand). Cytogenetic location: 21q22.3.
Variant type: single nucleotide variant.
Coding change: c.286A>C on transcript NM_000383.4 (MANE Select); coding-DNA position 286, A replaced by C.
Protein change: p.Ile96Leu; replaces isoleucine 96 with leucine.
Molecular consequence: missense variant.
Genome position (GRCh38, 1-based): chr21:44,286,710, A>C. VCF-style: chr21-44286710-A-C. GRCh37 (hg19) VCF-style: chr21-45706593-A-C.
Other names: short protein forms I96L.
Identifiers: ClinVar variation 1466649 (VCV001466649.6), dbSNP rs2146375950, ClinGen allele CA410423512.